The following is an entry in ClinVar:

NM_033087.4(ALG2):c.239G>A (p.Gly80Asp)

Gene: ALG2 (ALG2 alpha-1,3/1,6-mannosyltransferase; minus strand). Cytogenetic location: 9q22.33.
Variant type: single nucleotide variant.
Coding change: c.239G>A on transcript NM_033087.4 (MANE Select); coding-DNA position 239, G replaced by A.
Protein change: p.Gly80Asp; replaces glycine 80 with aspartic acid.
Molecular consequence: missense variant. On other transcripts: non-coding transcript variant (1).
Genome position (GRCh38, 1-based): chr9:99,221,656, C>T on the plus strand (G>A on the coding strand, the complement: ALG2 is on the minus strand). VCF-style: chr9-99221656-C-T. GRCh37 (hg19) VCF-style: chr9-101983938-C-T.
Other names: short protein forms G80D.
Identifiers: ClinVar variation 862483 (VCV000862483.9), dbSNP rs752081241, ClinGen allele CA5156435.
Genomic context (GRCh38, chr9:99,221,656, plus strand): 5'-TAGAGCGCCAGGAAAACCATGCGCACGTAGGCGCAGACGGCGGCGCCGCGGCCGCCCCAG[C>T]CCAGGCCTCGCGGCAGCCAGTCCCCGGCACAGCGCACCGGTAGCTCGCGGCTCTCGGCGA-3'
Protein context (NP_149078.1, residues 70-90): CAGDWLPRGL[Gly80Asp]WGGRGAAVCA

ClinVar aggregate classification (germline): Uncertain significance (1 of 4 stars; one submission).

Conditions:
Congenital disorder of glycosylation, type Ii. Also called: ALG2-congenital disorder of glycosylation; CDG Ii; ALG2-CDG. Identifiers: Orphanet 79326, MedGen C1842836, MONDO:0011933, OMIM 607906.
Congenital myasthenic syndrome 14. Also called: Myasthenic syndrome, congenital, 14, with tubular aggregates. Identifiers: Orphanet 353327, Orphanet 590, MedGen C4015597, MONDO:0014543, OMIM 616228.

Allele frequency attached by ClinVar (database versions not stated): TOPMed 0.00005; gnomAD exomes 0.00003; ExAC 0.00016; gnomAD 0.00003.

Submission:

Labcorp Genetics (formerly Invitae), Labcorp
Classification: Uncertain significance for Congenital disorder of glycosylation, type Ii; Congenital myasthenic syndrome 14. Last evaluated: 2024-10-14. Review status: criteria provided, single submitter. Criteria: Invitae Variant Classification Sherloc (09022015). Collection method: clinical testing. Allele origin: germline.
Comment: This sequence change replaces glycine, which is neutral and non-polar, with aspartic acid, which is acidic and polar, at codon 80 of the ALG2 protein (p.Gly80Asp). This variant is present in population databases (rs752081241, gnomAD 0.008%). This missense change has been observed in individual(s) with congenital myasthenic syndrome (PMID: 34980536). ClinVar contains an entry for this variant (Variation ID: 862483). An algorithm developed to predict the effect of missense changes on protein structure and function (PolyPhen-2) suggests that this variant is likely to be disruptive. Studies have shown that this missense change alters ALG2 gene expression (PMID: 34980536). In summary, the available evidence is currently insufficient to determine the role of this variant in disease. Therefore, it has been classified as a Variant of Uncertain Significance.

Literature cited by the submitters: PubMed 34980536.